The following is an entry in ClinVar:

NM_001077653.2(TBX20):c.1269C>G (p.His423Gln)

Gene: TBX20 (T-box transcription factor 20; minus strand). Cytogenetic location: 7p14.2.
Variant type: single nucleotide variant.
Coding change: c.1269C>G on transcript NM_001077653.2 (MANE Select); coding-DNA position 1269, C replaced by G.
Protein change: p.His423Gln; replaces histidine 423 with glutamine.
Molecular consequence: missense variant.
Genome position (GRCh38, 1-based): chr7:35,202,505, G>C on the plus strand (C>G on the coding strand, the complement: TBX20 is on the minus strand). VCF-style: chr7-35202505-G-C. GRCh37 (hg19) VCF-style: chr7-35242117-G-C.
Other names: short protein forms H423Q.
Identifiers: ClinVar variation 1764760 (VCV001764760.2), dbSNP rs2546980858, ClinGen allele CA367262861.
Genomic context (GRCh38, chr7:35,202,505, plus strand): 5'-CATCACAGCAGAGGAATGGCGTAGTCCTTGAATGGCAGCATAGGGCCCCTGCTGAAAATA[G>C]TGATGGTATCGCGGCATGTGGAATGAAGGGAATGTGGGGCCACTCCCTTGCATGGAGCTG-3'
Protein context (NP_001071121.1, residues 413-433): FPSFHMPRYH[His423Gln]YFQQGPYAAI

ClinVar aggregate classification (germline): Uncertain significance (1 of 4 stars; one submission).

Conditions:
Cardiovascular phenotype. Identifiers: MedGen CN230736.

Submission:

Ambry Genetics
Classification: Uncertain significance for Cardiovascular phenotype. Last evaluated: 2022-01-26. Review status: criteria provided, single submitter. Criteria: Ambry Variant Classification Scheme 2023. Collection method: clinical testing. Allele origin: germline.
Comment: The p.H423Q variant (also known as c.1269C>G), located in coding exon 8 of the TBX20 gene, results from a C to G substitution at nucleotide position 1269. The histidine at codon 423 is replaced by glutamine, an amino acid with highly similar properties. This amino acid position is conserved. In addition, the in silico prediction for this alteration is inconclusive. Since supporting evidence is limited at this time, the clinical significance of this alteration remains unclear.